The following is an entry in ClinVar:

ClinVar aggregate classification (germline): Uncertain significance (1 of 4 stars; one submission).

Conditions:
Hereditary spastic paraplegia 39 (SPG39). Also called: Spastic Paraplegia Type 39 (SPG39); SPASTIC PARAPLEGIA 39, AUTOSOMAL RECESSIVE. Identifiers: Orphanet 139480, MedGen C2677586, MONDO:0012787, OMIM 612020.

Allele frequency attached by ClinVar (database versions not stated): gnomAD exomes below 0.00001.
gnomAD v4.1: 1 of 1,607,234 alleles (0.000062%); highest among the groups gnomAD compares: Non-Finnish European, 0.000085%; no homozygotes.

Submission:

Labcorp Genetics (formerly Invitae), Labcorp
Classification: Uncertain significance for Hereditary spastic paraplegia 39. Last evaluated: 2024-04-25. Review status: criteria provided, single submitter. Criteria: Invitae Variant Classification Sherloc (09022015). Collection method: clinical testing. Allele origin: germline.
Comment: This sequence change replaces glutamic acid, which is acidic and polar, with aspartic acid, which is acidic and polar, at codon 1319 of the PNPLA6 protein (p.Glu1319Asp). This variant is not present in population databases (gnomAD no frequency). This variant has not been reported in the literature in individuals affected with PNPLA6-related conditions. ClinVar contains an entry for this variant (Variation ID: 1003032). Advanced modeling of protein sequence and biophysical properties (such as structural, functional, and spatial information, amino acid conservation, physicochemical variation, residue mobility, and thermodynamic stability) performed at Invitae indicates that this missense variant is not expected to disrupt PNPLA6 protein function with a negative predictive value of 95%. In summary, the available evidence is currently insufficient to determine the role of this variant in disease. Therefore, it has been classified as a Variant of Uncertain Significance.

NM_001166114.2(PNPLA6):c.4071G>T (p.Glu1357Asp)

Gene: PNPLA6 (patatin like domain 6, lysophospholipase; plus strand). Cytogenetic location: 19p13.2.
Variant type: single nucleotide variant.
Coding change: c.4071G>T on transcript NM_001166114.2 (MANE Select); coding-DNA position 4071, G replaced by T.
Protein change: p.Glu1357Asp; replaces glutamic acid 1357 with aspartic acid.
Molecular consequence: missense variant.
Genome position (GRCh38, 1-based): chr19:7,561,535, G>T. VCF-style: chr19-7561535-G-T. GRCh37 (hg19) VCF-style: chr19-7626421-G-T.
Other names: c.4101G>T, p.Glu1367Asp (NM_001166111.2); c.3876G>T, p.Glu1292Asp (NM_001166112.2); c.3957G>T, p.Glu1319Asp (NM_001166113.1, NM_006702.5); short protein forms E1292D, E1319D, E1357D, E1367D.
Identifiers: ClinVar variation 1003032 (VCV001003032.10), dbSNP rs1198155966, ClinGen allele CA403139996.